The following is an entry in ClinVar:

NM_198253.3(TERT):c.2120A>G (p.Tyr707Cys)

Gene: TERT (telomerase reverse transcriptase; minus strand). Cytogenetic location: 5p15.33.
Variant type: single nucleotide variant.
Coding change: c.2120A>G on transcript NM_198253.3 (MANE Select); coding-DNA position 2120, A replaced by G.
Protein change: p.Tyr707Cys; replaces tyrosine 707 with cysteine.
Molecular consequence: missense variant. On other transcripts: non-coding transcript variant (2).
Genome position (GRCh38, 1-based): chr5:1,279,301, T>C on the plus strand (A>G on the coding strand, the complement: TERT is on the minus strand). VCF-style: chr5-1279301-T-C. GRCh37 (hg19) VCF-style: chr5-1279416-T-C.
Other names: p.Tyr707Cys; c.2120A>G, p.Tyr707Cys (NM_001193376.3, NM_003219.1); short protein forms Y707C.
Identifiers: ClinVar variation 2679139 (VCV002679139.2), dbSNP rs2478274580, ClinGen allele CA359079999.
Genomic context (GRCh38, chr5:1,279,301, plus strand): 5'-GCCACTCCCAAGGTCCAGCAGGGCTGCTCACGGGGGTCCCCGGCACCCACCTTGACAAAG[T>C]ACAGCTCAGGCGGCGGGTCCTGGGCCCGCACACGCAGCACGAAGGTGCGCCAGGCCCTGT-3'
Protein context (NP_937983.2, residues 697-717): VRAQDPPPEL[Tyr707Cys]FVKVDVTGAY

ClinVar aggregate classification (germline): Uncertain significance. Review status: criteria provided, multiple submitters, no conflicts (2 of 4 stars). 2 submissions from 2 submitters: Uncertain significance (2). Last evaluated 2024-02-27.

Conditions:
Dyskeratosis congenita, autosomal dominant 2. Identifiers: MedGen C3151443, MONDO:0013521, OMIM 613989.

Submissions (2):

Mayo Clinic Laboratories, Mayo Clinic
Classification: Uncertain significance. Last evaluated: 2024-02-27. Review status: criteria provided, single submitter. Criteria: ACMG Guidelines, 2015. Collection method: clinical testing. Allele origin: germline. Observed: 1 variant allele.
Comment: PP2, PP3, PM2

Baylor Genetics
Classification: Uncertain significance for Dyskeratosis congenita, autosomal dominant 2. Last evaluated: 2023-10-15. Review status: criteria provided, single submitter. Criteria: ACMG Guidelines, 2015. Collection method: clinical testing. Allele origin: unknown.